The following is an entry in ClinVar:

ClinVar aggregate classification (germline): Pathogenic/Likely pathogenic. Review status: criteria provided, multiple submitters, no conflicts (2 of 4 stars). 60 submissions from 58 submitters: Pathogenic (48); Likely pathogenic (1). 11 of the submissions do not count toward it. Last evaluated 2026-09-01.

Conditions:
PACS1-related disorder. Also called: PACS1-related condition.
PACS1-related syndrome.
Neurodevelopmental disorder. Identifiers: MedGen C1535926, MeSH D065886, MONDO:0700092.
Inborn genetic diseases. Identifiers: MedGen C0950123, MeSH D030342.
Multiple congenital anomalies/dysmorphic syndrome-intellectual disability. Identifiers: Orphanet 102283, MedGen C5680372, MONDO:0015159.
Schuurs-Hoeijmakers syndrome. Also called: PACS1-Related Neurodevelopmental Disorder. Identifiers: Orphanet 329224, MedGen C3554343, MONDO:0014006, OMIM 615009.
Global developmental delay (DD). Also called: Cognitive delay. Identifiers: MedGen C0557874, HP:0001263. Disease mechanism: loss of function.
Intellectual disability. Also called: Intellectual functioning disability; Intellectual developmental disorder; intellectual disabilities. Identifiers: MedGen C3714756, MeSH D008607, MONDO:0001071, HP:0001249.

Allele frequency attached by ClinVar (database versions not stated): ExAC 0.00001; gnomAD 0.00001.

Submissions 1 to 10 of 60:

CeGaT Center for Human Genetics Tuebingen
Classification: Pathogenic. Last evaluated: 2026-09-01. Review status: criteria provided, single submitter. Criteria: CeGaT Center For Human Genetics Tuebingen Variant Classification Criteria Version 2. Collection method: clinical testing. Allele origin: germline. Affected: yes. Observed: 2 variant alleles.
Comment: PACS1: PS2:Very Strong, PS4, PM2, PM5:Supporting, PP2, PS3:Supporting

Labcorp Genetics (formerly Invitae), Labcorp
Classification: Pathogenic for Schuurs-Hoeijmakers syndrome. Last evaluated: 2026-01-19. Review status: criteria provided, single submitter. Criteria: Invitae Variant Classification Sherloc (09022015). Collection method: clinical testing. Allele origin: germline.
Comment: This sequence change replaces arginine, which is basic and polar, with tryptophan, which is neutral and slightly polar, at codon 203 of the PACS1 protein (p.Arg203Trp). This variant is not present in population databases (gnomAD no frequency). This missense change has been observed in individual(s) with intellectual disability and/or epilepsy (PMID: 26795593, 26842493). In at least one individual the variant was observed to be de novo. ClinVar contains an entry for this variant (Variation ID: 39581). Invitae Evidence Modeling of protein sequence and biophysical properties (such as structural, functional, and spatial information, amino acid conservation, physicochemical variation, residue mobility, and thermodynamic stability) has been performed for this missense variant. However, the output from this modeling did not meet the statistical confidence thresholds required to predict the impact of this variant on PACS1 protein function. Experimental studies have shown that this missense change affects PACS1 function (PMID: 23159249). For these reasons, this variant has been classified as Pathogenic.

Institute of Human Genetics, FAU Erlangen, Friedrich-Alexander-Universität Erlangen-Nürnberg
Classification: Pathogenic for Schuurs-Hoeijmakers syndrome. Last evaluated: 2026-01-12. Review status: criteria provided, single submitter. Criteria: Hauer et al. (Genet Med. 2018). Collection method: clinical testing. Allele origin: germline. Inheritance: Autosomal dominant inheritance. Affected: yes. Observed: 1 variant allele.
Comment: This variant has been identified by standard clinical testing. de novo Selected ACMG criteria: Pathogenic (II):PP5;PP3;PM2;PS3;PS2

Variantyx, Inc.
Classification: Pathogenic for Schuurs-Hoeijmakers syndrome. Last evaluated: 2026-01-08. Review status: criteria provided, single submitter. Criteria: Variantyx Assertion Criteria 2022. Collection method: clinical testing. Allele origin: de novo. Inheritance: Autosomal dominant inheritance. Affected: yes.
Comment: This is a nonsynonymous variant in the PACS1 gene (OMIM: 607492). Pathogenic variants in this gene have been associated with autosomal dominant Schuurs-Hoeijmakers syndrome. It has been reported in several unrelated affected individuals (PMID: 26795593, 26842493) (PS4). Computational algorithms produce conflicting evidence regarding the predicted functional impact of this variant (REVEL score: 0.443), but functional studies have shown that this variant alters PACS1 protein function (PMID: 23159249) (PS3_Moderate). It has a 0.0013% maximum allele frequency in non-founder control populations (PM2). Based on the current evidence, this variant is classified as pathogenic for autosomal dominant Schuurs-Hoeijmakers syndrome.

3billion
Classification: Pathogenic for Schuurs-Hoeijmakers syndrome. Last evaluated: 2025-12-10. Review status: criteria provided, single submitter. Criteria: ACMG Guidelines, 2015. Collection method: clinical testing. Allele origin: germline. Affected: yes.
Comment: The variant is observed at an extremely low frequency in the gnomAD v4.1.0 dataset (total allele frequency: <0.001%). Predicted Consequence/Location: Missense variant Damaging effect on gene or gene product predicted by in silico programs is uncertain [REVEL: 0.44 (damaging >=0.6, benign <0.4), 3Cnet: 0.08 (damaging >0.75, benign <0.1)]. The same nucleotide change resulting in the same amino acid change has been previously reported as pathogenic/likely pathogenic with strong evidence (ClinVar ID: VCV000039581 /PMID: 23159249 /3billion dataset). The variant has been observed in at least two similarly affected unrelated individuals (3billion dataset). The variant has been previously reported as assumed (i.e. paternity and maternity not confirmed) de novo in at least one similarly affected unrelated individual (3billion dataset). A different missense change at the same codon (p.Arg203Gln) has been reported to be associated with PACS1-related disorder (PMID: 28975623). Therefore, this variant is classified as Pathogenic according to the recommendation of ACMG/AMP guideline.

Women's Health and Genetics/Laboratory Corporation of America, LabCorp
Classification: Pathogenic for Schuurs-Hoeijmakers syndrome. Last evaluated: 2025-04-25. Review status: criteria provided, single submitter. Criteria: LabCorp Variant Classification Summary - May 2015. Collection method: clinical testing. Allele origin: germline.
Comment: Variant summary: PACS1 c.607C>T (p.Arg203Trp) results in a non-conservative amino acid change in the encoded protein sequence. Four of five in-silico tools predict a damaging effect of the variant on protein function. The frequency data for this variant in gnomAD is considered unreliable, as metrics indicate poor data quality at this position. c.607C>T has been observed as a de novo occurrence in multiple individuals affected with clinical features of Schuurs-Hoeijmakers Syndrome (Schuurs-Hoeijmakers_2012, Stern_2017). These data indicate that the variant is very likely to be associated with disease. At least one publication reports experimental evidence evaluating an impact on protein function. In vivo studies in zebrafish indicate that the variant induces craniofacial defects due to aberrant specification and migration of SOX10-positive neural-crest cells (Schuurs-Hoeijmakers_2012). The following publications have been ascertained in the context of this evaluation (PMID: 23159249, 28111752). ClinVar contains an entry for this variant (Variation ID: 39581). Based on the evidence outlined above, the variant was classified as pathogenic.

Laboratory of Genetics, Children's Clinical University Hospital Latvia
Classification: Pathogenic. Last evaluated: 2025-02-16. Review status: criteria provided, single submitter. Criteria: ACMG Guidelines, 2015. Collection method: clinical testing. Allele origin: germline. Affected: yes.

Genomic Medicine Center of Excellence, King Faisal Specialist Hospital and Research Centre
Classification: Pathogenic for Schuurs-Hoeijmakers syndrome. Last evaluated: 2024-12-19. Review status: criteria provided, single submitter. Criteria: ACMG Guidelines, 2015. Collection method: clinical testing. Allele origin: germline.

Victorian Clinical Genetics Services, Murdoch Childrens Research Institute
Classification: Pathogenic for Schuurs-Hoeijmakers syndrome. Last evaluated: 2024-10-09. Review status: criteria provided, single submitter. Criteria: ACMG Guidelines, 2015. Collection method: clinical testing. Allele origin: germline. Inheritance: Autosomal dominant inheritance. Affected: yes.
Comment: Based on the classification scheme VCGS_Germline_v1.3.4, this variant is classified as Pathogenic. Following criteria are met: 0104 - Dominant negative is a known mechanism of disease in this gene and is associated with Schuurs-Hoeijmakers syndrome (MIM#615009). (I) 0107 - This gene is associated with autosomal dominant disease. (I) 0200 - Variant is predicted to result in a missense amino acid change from arginine to tryptophan. (I) 0251 - This variant is heterozygous. (I) 0302 - Variant is present in gnomAD (v3) <0.001 for a dominant condition (1 heterozygote, 0 homozygotes). (SP) 0501 - Missense variant consistently predicted to be damaging by multiple in silico tools or highly conserved with a major amino acid change. (SP) 0603 - Missense variant in a region that is highly intolerant to missense variation (high constraint region in DECIPHER). (SP) 0704 - Another missense variant comparable to the one identified in this case has limited previous evidence for pathogenicity. p.(Arg203Gln) has been observed as a de novo variant in a patient with Schuurs-Hoeijmakers syndrome (PMID: 28975623). (SP) 0801 - This variant has strong previous evidence of pathogenicity in unrelated individuals. This variant has been reported to be de novo in more than twenty individuals with Schuurs-Hoeijmakers syndrome (ClinVar, PMID: 23159249, 25522177, 26842493). (SP) 1002 - This variant has moderate functional evidence supporting abnormal protein function. In vitro assays demonstrated formation of cytoplasmic aggregates, leading to protein-trafficking defects (PMID: 23159249). (SP) Legend: (SP) - Supporting pathogenic, (I) - Information, (SB) - Supporting benign

Dubai Health Genomic Medicine Center, Dubai Health
Classification: Pathogenic for Schuurs-Hoeijmakers syndrome. Last evaluated: 2024-10-04. Review status: criteria provided, single submitter. Criteria: ACMG Guidelines, 2015. Collection method: research. Allele origin: germline. Affected: yes.
Comment: PS2,PS4,PM2,PP3

NM_018026.4(PACS1):c.607C>T (p.Arg203Trp)

Gene: PACS1 (phosphofurin acidic cluster sorting protein 1; plus strand). Cytogenetic location: 11q13.2.
Variant type: single nucleotide variant.
Coding change: c.607C>T on transcript NM_018026.4 (MANE Select); coding-DNA position 607, C replaced by T.
Protein change: p.Arg203Trp; replaces arginine 203 with tryptophan.
Molecular consequence: missense variant.
Genome position (GRCh38, 1-based): chr11:66,211,206, C>T. VCF-style: chr11-66211206-C-T. GRCh37 (hg19) VCF-style: chr11-65978677-C-T.
Other names: short protein forms R203W.
Identifiers: ClinVar variation 39581 (VCV000039581.128), dbSNP rs398123009, ClinGen allele CA204795.